The following is an entry in ClinVar:

NM_004415.4(DSP):c.526_527del (p.Ser176fs)

Gene: DSP (desmoplakin; plus strand). Cytogenetic location: 6p24.3.
Variant type: Microsatellite.
Coding change: c.526_527del on transcript NM_004415.4 (MANE Select); coding-DNA positions 526 to 527, 2 bases deleted (AG; older notation c.526_527delAG).
Protein change: p.Ser176fs; shifts the reading frame from serine 176.
Molecular consequence: frameshift variant.
Genome position (GRCh38, 1-based): chr6:7,559,329-7,559,330, AG deleted; deleting any 2 consecutive bases within chr6:7,559,327-7,559,330 gives the same sequence; the c. name uses the placement nearest the transcript's 3' end. VCF-style (leftmost placement, unchanged base first): chr6-7559326-CAG-C. GRCh37 (hg19) VCF-style: chr6-7559559-CAG-C.
Other names: c.526_527del, p.Ser176fs (NM_001008844.3, NM_001319034.2, NM_001406591.1); short protein forms S176fs.
Identifiers: ClinVar variation 3072283 (VCV003072283.1), dbSNP rs2533853693, ClinGen allele CA2825001474.

ClinVar aggregate classification (germline): Likely pathogenic (1 of 4 stars; one submission).

Conditions:
Arrhythmogenic cardiomyopathy with wooly hair and keratoderma. Also called: PALMOPLANTAR KERATODERMA WITH LEFT VENTRICULAR CARDIOMYOPATHY AND WOOLLY HAIR; Carvajal syndrome; Dilated cardiomyopathy with woolly hair and keratoderma; Arrhythmogenic cardiomyopathy with woolly hair and keratoderma. Identifiers: Orphanet 65282, MedGen C1854063, MONDO:0011581, OMIM 605676.

Submission:

All of Us Research Program, National Institutes of Health
Classification: Likely pathogenic for Arrhythmogenic cardiomyopathy with wooly hair and keratoderma. Last evaluated: 2023-07-11. Review status: criteria provided, single submitter. Criteria: ACMG Guidelines, 2015. Collection method: clinical testing. Allele origin: germline. Inheritance: Autosomal dominant inheritance. Observed: 1 variant allele, 1 heterozygote.
Comment: The c.526_527del (p.Ser176Trpfs*6) variant in the DSP gene creates a frameshift resulting in a premature translation stop signal. This change is predicted to result in an absent or disrupted protein product. Loss-of-function variants in DSP are known to be pathogenic (PMID: 20716751, 24503780, 25227139). This variant is not present in the general population according to gnomAD. Therefore, c.526_527del (p.Ser176Trpfs*6) variant in the DSP gene has been classified as likely pathogenic.

This study involves interpretation of variants in research participants for the purpose of population health screening. Participant phenotype was not available at the time of variant classification. Additional details can be found in publication PMID: 35346344, PMCID: PMC8962531

Literature cited by the submitters: PubMed 20716751; PubMed 24503780; PubMed 25227139.